The following is an entry in ClinVar:

ClinVar aggregate classification (germline): Uncertain significance. Review status: criteria provided, multiple submitters, no conflicts (2 of 4 stars). 2 submissions from 2 submitters: Uncertain significance (2). Last evaluated 2022-10-11.

Allele frequency attached by ClinVar (database versions not stated): TOPMed 0.00002.
gnomAD v4.1: 4 of 1,544,306 alleles (0.00026%); highest among the groups gnomAD compares: Non-Finnish European, 0.00035%; no homozygotes.

Submissions (2):

Blueprint Genetics
Classification: Uncertain significance. Last evaluated: 2022-10-11. Review status: criteria provided, single submitter. Criteria: ACMG Guidelines, 2015. Collection method: clinical testing. Allele origin: germline.

Labcorp Genetics (formerly Invitae), Labcorp
Classification: Uncertain significance. Last evaluated: 2022-03-09. Review status: criteria provided, single submitter. Criteria: Invitae Variant Classification Sherloc (09022015). Collection method: clinical testing. Allele origin: germline.
Comment: This sequence change replaces proline, which is neutral and non-polar, with leucine, which is neutral and non-polar, at codon 26 of the CDH3 protein (p.Pro26Leu). This variant is not present in population databases (gnomAD no frequency). This variant has not been reported in the literature in individuals affected with CDH3-related conditions. ClinVar contains an entry for this variant (Variation ID: 1013900). Algorithms developed to predict the effect of missense changes on protein structure and function are either unavailable or do not agree on the potential impact of this missense change (SIFT: "Not Available"; PolyPhen-2: "Possibly Damaging"; Align-GVGD: "Not Available"). In summary, the available evidence is currently insufficient to determine the role of this variant in disease. Therefore, it has been classified as a Variant of Uncertain Significance.

NM_001793.6(CDH3):c.77C>T (p.Pro26Leu)

Genes: CDH3 (cadherin 3; plus strand), CDH3-AS1 (CDH3 antisense RNA 1; minus strand). Cytogenetic location: 16q22.1.
Variant type: single nucleotide variant.
Coding change: c.77C>T on transcript NM_001793.6 (MANE Select); coding-DNA position 77, C replaced by T.
Protein change: p.Pro26Leu; replaces proline 26 with leucine.
Molecular consequence: missense variant. On other transcripts: intron variant (1).
Genome position (GRCh38, 1-based): chr16:68,645,667, C>T. VCF-style: chr16-68645667-C-T. GRCh37 (hg19) VCF-style: chr16-68679570-C-T.
Other names: c.-6+243C>T (NM_001317196.2); c.77C>T, p.Pro26Leu (NM_001317195.3); short protein forms P26L.
Identifiers: ClinVar variation 1013900 (VCV001013900.9), dbSNP rs1333370151, ClinGen allele CA396455226.